The following is an entry in ClinVar:

NM_007294.4(BRCA1):c.2140_2144del (p.Asn714fs)

Gene: BRCA1 (BRCA1 DNA repair associated; minus strand). Cytogenetic location: 17q21.31.
Variant type: Deletion.
Coding change: c.2140_2144del on transcript NM_007294.4 (MANE Select); coding-DNA positions 2140 to 2144, 5 bases deleted (AATAC; older notation c.2140_2144delAATAC).
Protein change: p.Asn714fs; shifts the reading frame from asparagine 714.
Molecular consequence: frameshift variant. On other transcripts: intron variant (137).
Genome position (GRCh38, 1-based): chr17:43,093,387-43,093,391, GTATT deleted on the plus strand (AATAC on the coding strand, the reverse complement: BRCA1 is on the minus strand). VCF-style (leftmost placement, unchanged base first): chr17-43093386-GGTATT-G. GRCh37 (hg19) VCF-style: chr17-41245403-GGTATT-G.
Other names: c.1930_1934del, p.Asn644fs (NM_001407879.1, NM_001407881.1, NM_001407882.1 and 13 more transcripts); c.1927_1931del, p.Asn643fs (NM_001407894.1, NM_001407895.1, NM_001407896.1 and 9 more transcripts); c.2017_2021del, p.Asn673fs (NM_001407919.1, NM_001407648.1, NM_001407664.1 and 19 more transcripts); c.1876_1880del, p.Asn626fs (NM_001407920.1, NM_001407924.1, NM_001407921.1 and 9 more transcripts); c.2140_2144del, p.Asn714fs (NM_001407581.1, NM_001407582.1, NM_001407583.1 and 30 more transcripts); c.2137_2141del, p.Asn713fs (NM_001407587.1, NM_001407590.1, NM_001407591.1 and 22 more transcripts); c.2131_2135del, p.Asn711fs (NM_001407646.1, NM_001407647.1); c.2014_2018del, p.Asn672fs (NM_001407649.1, NM_001407670.1, NM_001407671.1 and 11 more transcripts); and 42 more; short protein forms N667fs, N714fs, N546fs, N586fs, N626fs, N643fs, N646fs, N666fs.
Identifiers: ClinVar variation 945653 (VCV000945653.9), dbSNP rs2053817949, ClinGen allele CA1139664783.

ClinVar aggregate classification (germline): Pathogenic (1 of 4 stars; one submission).

Conditions:
Hereditary breast ovarian cancer syndrome. Also called: Hereditary breast and ovarian cancer syndrome (HBOC); Hereditary breast and ovarian cancer; Breast and ovarian cancer; BRCA1- and BRCA2-Associated Hereditary Breast and Ovarian Cancer; Hereditary breast and ovarian cancer syndrome; Hereditary breast and/or ovarian cancer syndrome. Identifiers: Orphanet 145, MedGen C0677776, MeSH D061325, MONDO:0003582. Disease mechanism: loss of function.

Submission:

Labcorp Genetics (formerly Invitae), Labcorp
Classification: Pathogenic for Hereditary breast ovarian cancer syndrome. Last evaluated: 2022-09-06. Review status: criteria provided, single submitter. Criteria: Invitae Variant Classification Sherloc (09022015). Collection method: clinical testing. Allele origin: germline.
Comment: For these reasons, this variant has been classified as Pathogenic. ClinVar contains an entry for this variant (Variation ID: 945653). This sequence change creates a premature translational stop signal (p.Asn714Glnfs*2) in the BRCA1 gene. It is expected to result in an absent or disrupted protein product. Loss-of-function variants in BRCA1 are known to be pathogenic (PMID: 20104584). This variant is not present in population databases (gnomAD no frequency). This variant has not been reported in the literature in individuals affected with BRCA1-related conditions.

Literature cited by the submitters: PubMed 20104584.